The following is an entry in ClinVar:

NM_014927.5(CNKSR2):c.2349T>G (p.Tyr783Ter)

Gene: CNKSR2 (connector enhancer of kinase suppressor of Ras 2; plus strand). Cytogenetic location: Xp22.12.
Variant type: single nucleotide variant.
Coding change: c.2349T>G on transcript NM_014927.5 (MANE Select); coding-DNA position 2349, T replaced by G.
Protein change: p.Tyr783Ter; replaces tyrosine 783 with a stop codon.
Molecular consequence: nonsense.
Genome position (GRCh38, 1-based): chrX:21,609,274, T>G. VCF-style: chrX-21609274-T-G. GRCh37 (hg19) VCF-style: chrX-21627392-T-G.
Other names: c.2259T>G, p.Tyr753Ter (NM_001168647.3, NM_001330773.2); c.2349T>G, p.Tyr783Ter (NM_001168648.3); c.2202T>G, p.Tyr734Ter (NM_001168649.3, NM_001330770.2); c.2112T>G, p.Tyr704Ter (NM_001330771.2, NM_001330772.2); short protein forms Y704*, Y734*, Y753*, Y783*.
Identifiers: ClinVar variation 1071289 (VCV001071289.2), dbSNP rs2147283407, ClinGen allele CA412558668.

ClinVar aggregate classification (germline): Pathogenic (1 of 4 stars; one submission).

Submission:

Labcorp Genetics (formerly Invitae), Labcorp
Classification: Pathogenic. Last evaluated: 2017-10-05. Review status: criteria provided, single submitter. Criteria: Invitae Variant Classification Sherloc (09022015). Collection method: clinical testing. Allele origin: germline.
Comment: This sequence change creates a premature translational stop signal (p.Tyr783*) in the CNKSR2 gene. It is expected to result in an absent or disrupted protein product. This variant is not present in population databases (ExAC no frequency). This variant has not been reported in the literature in individuals with CNKSR2-related disease. Loss-of-function variants in CNKSR2 are known to be pathogenic (PMID: 22511892, 25223753). For these reasons, this variant has been classified as Pathogenic.

Literature cited by the submitters: PubMed 22511892; PubMed 25223753.